The following is an entry in ClinVar:

ClinVar aggregate classification (germline): Uncertain significance. Review status: criteria provided, multiple submitters, no conflicts (2 of 4 stars). 2 submissions from 2 submitters: Uncertain significance (2). Last evaluated 2023-10-03.

Conditions:
Inborn genetic diseases. Identifiers: MedGen C0950123, MeSH D030342.

Allele frequency attached by ClinVar (database versions not stated): gnomAD 0.00002; TOPMed 0.00002.
gnomAD v4.1: 4 of 1,613,598 alleles (0.00025%); highest among the groups gnomAD compares: African/African-American, 0.004%; no homozygotes.

Submissions (2):

Ambry Genetics
Classification: Uncertain significance for Inborn genetic diseases. Last evaluated: 2023-10-03. Review status: criteria provided, single submitter. Criteria: Ambry Variant Classification Scheme 2023. Collection method: clinical testing. Allele origin: germline.

Labcorp Genetics (formerly Invitae), Labcorp
Classification: Uncertain significance. Last evaluated: 2021-06-18. Review status: criteria provided, single submitter. Criteria: Invitae Variant Classification Sherloc (09022015). Collection method: clinical testing. Allele origin: germline.
Comment: This variant is not present in population databases (ExAC no frequency). In summary, the available evidence is currently insufficient to determine the role of this variant in disease. Therefore, it has been classified as a Variant of Uncertain Significance. Algorithms developed to predict the effect of missense changes on protein structure and function are either unavailable or do not agree on the potential impact of this missense change (SIFT: "Tolerated"; PolyPhen-2: "Probably Damaging"; Align-GVGD: "Class C0"). This variant has not been reported in the literature in individuals with HPS5-related conditions. This sequence change replaces proline with arginine at codon 627 of the HPS5 protein (p.Pro627Arg). The proline residue is highly conserved and there is a moderate physicochemical difference between proline and arginine.

NM_181507.2(HPS5):c.1880C>G (p.Pro627Arg)

Gene: HPS5 (HPS5 biogenesis of lysosomal organelles complex 2 subunit 2; minus strand). Cytogenetic location: 11p15.1.
Variant type: single nucleotide variant.
Coding change: c.1880C>G on transcript NM_181507.2 (MANE Select); coding-DNA position 1880, C replaced by G.
Protein change: p.Pro627Arg; replaces proline 627 with arginine.
Molecular consequence: missense variant.
Genome position (GRCh38, 1-based): chr11:18,292,002, G>C on the plus strand (C>G on the coding strand, the complement: HPS5 is on the minus strand). VCF-style: chr11-18292002-G-C. GRCh37 (hg19) VCF-style: chr11-18313549-G-C.
Other names: c.1538C>G, p.Pro513Arg (NM_007216.4, NM_181508.2); short protein forms P627R, P513R.
Identifiers: ClinVar variation 1508523 (VCV001508523.8), dbSNP rs1472873376, ClinGen allele CA379491583.
Genomic context (GRCh38, chr11:18,292,002, plus strand): 5'-AAATGTGAAAGCCACTCCTGTAAAACCATTCTCAGAGACTCGGATTCAAATAAAACCAGA[G>C]GGTCCTGTAGCTTGGTCCTATACAAGACAGACAAGTATGAAATTCATGTGTCATGTGTTT-3'
Protein context (NP_852608.1, residues 617-637): TAEAMTKLQD[Pro627Arg]LVLFESESLR